The following is an entry in ClinVar:

NM_080732.4(EGLN2):c.381T>G (p.Asp127Glu)

Genes: EGLN2 (egl-9 family hypoxia inducible factor 2; plus strand), RAB4B-EGLN2 (RAB4B-EGLN2 readthrough (NMD candidate); plus strand). Cytogenetic location: 19q13.2.
Variant type: single nucleotide variant.
Coding change: c.381T>G on transcript NM_080732.4 (MANE Select); coding-DNA position 381, T replaced by G.
Protein change: p.Asp127Glu; replaces aspartic acid 127 with glutamic acid.
Molecular consequence: missense variant. On other transcripts: non-coding transcript variant (1).
Genome position (GRCh38, 1-based): chr19:40,800,953, T>G. VCF-style: chr19-40800953-T-G. GRCh37 (hg19) VCF-style: chr19-41306858-T-G.
Other names: c.381T>G, p.Asp127Glu (NM_053046.4); short protein forms D127E.
Identifiers: ClinVar variation 1735263 (VCV001735263.2), dbSNP rs2515993869, ClinGen allele CA405955133.

ClinVar aggregate classification (germline): Uncertain significance (1 of 4 stars; one submission).

Submission:

Ambry Genetics
Classification: Uncertain significance. Last evaluated: 2022-07-12. Review status: criteria provided, single submitter. Criteria: Ambry Variant Classification Scheme 2023. Collection method: clinical testing. Allele origin: germline.
Comment: The p.D127E variant (also known as c.381T>G), located in coding exon 1 of the EGLN2 gene, results from a T to G substitution at nucleotide position 381. The aspartic acid at codon 127 is replaced by glutamic acid, an amino acid with highly similar properties. This amino acid position is conserved. In addition, this alteration is predicted to be tolerated by in silico analysis. Since supporting evidence is limited at this time, the clinical significance of this alteration remains unclear.